The following is an entry in ClinVar:

ClinVar aggregate classification (germline): Conflicting classifications of pathogenicity. Review status: criteria provided, conflicting classifications (1 of 4 stars). 2 submissions from 2 submitters: Uncertain significance (1); Likely benign (1). Last evaluated 2025-05-27.

Conditions:
Combined immunodeficiency due to OX40 deficiency. Also called: Immunodeficiency 16; OX40 DEFICIENCY. Identifiers: Orphanet 431149, MedGen C3810053, MONDO:0014268, OMIM 615593.

Allele frequency attached by ClinVar (database versions not stated): TOPMed 0.00002; 1000 Genomes Project 0.00040; 1000 Genomes Project 30x 0.00016; gnomAD 0.00001.
gnomAD v4.1: 29 of 1,588,904 alleles (0.0018%); highest among the groups gnomAD compares: East Asian, 0.0045%; no homozygotes.

Submissions (2):

Ambry Genetics
Classification: Likely benign. Last evaluated: 2025-05-27. Review status: criteria provided, single submitter. Criteria: Ambry Variant Classification Scheme 2023. Collection method: clinical testing. Allele origin: germline.

Labcorp Genetics (formerly Invitae), Labcorp
Classification: Uncertain significance for Combined immunodeficiency due to OX40 deficiency. Last evaluated: 2025-03-04. Review status: criteria provided, single submitter. Criteria: Invitae Variant Classification Sherloc (09022015). Collection method: clinical testing. Allele origin: germline.
Comment: This sequence change replaces alanine, which is neutral and non-polar, with valine, which is neutral and non-polar, at codon 14 of the TNFRSF4 protein (p.Ala14Val). The frequency data for this variant in the population databases is considered unreliable, as metrics indicate poor data quality at this position in the gnomAD database. This variant has not been reported in the literature in individuals affected with TNFRSF4-related conditions. ClinVar contains an entry for this variant (Variation ID: 2918189). An algorithm developed to predict the effect of missense changes on protein structure and function outputs the following: PolyPhen-2: "Not Available". The valine amino acid residue is found in multiple mammalian species, which suggests that this missense change does not adversely affect protein function. In summary, the available evidence is currently insufficient to determine the role of this variant in disease. Therefore, it has been classified as a Variant of Uncertain Significance.

NM_003327.4(TNFRSF4):c.41C>T (p.Ala14Val)

Gene: TNFRSF4 (TNF receptor superfamily member 4; minus strand). Cytogenetic location: 1p36.33.
Variant type: single nucleotide variant.
Coding change: c.41C>T on transcript NM_003327.4 (MANE Select); coding-DNA position 41, C replaced by T.
Protein change: p.Ala14Val; replaces alanine 14 with valine.
Molecular consequence: missense variant.
Genome position (GRCh38, 1-based): chr1:1,214,087, G>A on the plus strand (C>T on the coding strand, the complement: TNFRSF4 is on the minus strand). VCF-style: chr1-1214087-G-A. GRCh37 (hg19) VCF-style: chr1-1149467-G-A.
Other names: c.41C>T (NM_003327.3); c.41C>T, p.Ala14Val (NM_001410709.1); short protein forms A14V.
Identifiers: ClinVar variation 2918189 (VCV002918189.4), dbSNP rs569590056, ClinGen allele CA16734038.